The following is an entry in ClinVar:

NM_001261826.3(AP3D1):c.91G>A (p.Asp31Asn)

Gene: AP3D1 (adaptor related protein complex 3 subunit delta 1; minus strand). Cytogenetic location: 19p13.3.
Variant type: single nucleotide variant.
Coding change: c.91G>A on transcript NM_001261826.3 (MANE Select); coding-DNA position 91, G replaced by A.
Protein change: p.Asp31Asn; replaces aspartic acid 31 with asparagine.
Molecular consequence: missense variant.
Genome position (GRCh38, 1-based): chr19:2,151,244, C>T on the plus strand (G>A on the coding strand, the complement: AP3D1 is on the minus strand). VCF-style: chr19-2151244-C-T. GRCh37 (hg19) VCF-style: chr19-2151243-C-T.
Other names: c.91G>A, p.Asp31Asn (NM_001374799.1, NM_003938.8); short protein forms D31N.
Identifiers: ClinVar variation 4753280 (VCV004753280.1).

ClinVar aggregate classification (germline): Uncertain significance (1 of 4 stars; one submission).

gnomAD v4.1: 44 of 1,610,702 alleles (0.0027%); highest among the groups gnomAD compares: Non-Finnish European, 0.0037%; no homozygotes.

Submission:

Labcorp Genetics (formerly Invitae), Labcorp
Classification: Uncertain significance. Last evaluated: 2025-09-09. Review status: criteria provided, single submitter. Criteria: Invitae Variant Classification Sherloc (09022015). Collection method: clinical testing. Allele origin: germline.
Comment: This sequence change replaces aspartic acid, which is acidic and polar, with asparagine, which is neutral and polar, at codon 31 of the AP3D1 protein (p.Asp31Asn). This variant is present in population databases (no rsID available, gnomAD 0.002%). This variant has not been reported in the literature in individuals affected with AP3D1-related conditions. An algorithm developed to predict the effect of missense changes on protein structure and function (PolyPhen-2) suggests that this variant is likely to be tolerated. In summary, the available evidence is currently insufficient to determine the role of this variant in disease. Therefore, it has been classified as a Variant of Uncertain Significance.